The following is an entry in ClinVar:

NM_001378969.1(KCND3):c.506T>C (p.Met169Thr)

Gene: KCND3 (potassium voltage-gated channel subfamily D member 3; minus strand). Cytogenetic location: 1p13.2.
Variant type: single nucleotide variant.
Coding change: c.506T>C on transcript NM_001378969.1 (MANE Select); coding-DNA position 506, T replaced by C.
Protein change: p.Met169Thr; replaces methionine 169 with threonine.
Molecular consequence: missense variant.
Genome position (GRCh38, 1-based): chr1:111,982,221, A>G on the plus strand (T>C on the coding strand, the complement: KCND3 is on the minus strand). VCF-style: chr1-111982221-A-G. GRCh37 (hg19) VCF-style: chr1-112524843-A-G.
Other names: c.506T>C, p.Met169Thr (NM_001378970.1, NM_004980.5, NM_172198.3); short protein forms M169T.
Identifiers: ClinVar variation 2447851 (VCV002447851.2), dbSNP rs2525704919, ClinGen allele CA341821982.

ClinVar aggregate classification (germline): Uncertain significance (1 of 4 stars; one submission).

Conditions:
Cardiovascular phenotype. Identifiers: MedGen CN230736.

Submission:

Ambry Genetics
Classification: Uncertain significance for Cardiovascular phenotype. Last evaluated: 2022-12-13. Review status: criteria provided, single submitter. Criteria: Ambry Variant Classification Scheme 2023. Collection method: clinical testing. Allele origin: germline.
Comment: The p.M169T variant (also known as c.506T>C), located in coding exon 1 of the KCND3 gene, results from a T to C substitution at nucleotide position 506. The methionine at codon 169 is replaced by threonine, an amino acid with similar properties. This amino acid position is conserved. In addition, this alteration is predicted to be deleterious by in silico analysis. Since supporting evidence is limited at this time, the clinical significance of this alteration remains unclear.